The following is an entry in ClinVar:

NM_032043.3(BRIP1):c.3726del (p.Gly1243fs)

Gene: BRIP1 (BRCA1 interacting DNA helicase 1; minus strand). Cytogenetic location: 17q23.2.
Variant type: Deletion.
Coding change: c.3726del on transcript NM_032043.3 (MANE Select); coding-DNA position 3726, one base deleted (A; older notation c.3726delA).
Protein change: p.Gly1243fs; shifts the reading frame from glycine 1243.
Molecular consequence: frameshift variant.
Genome position (GRCh38, 1-based): chr17:61,683,320, T deleted on the plus strand (A on the coding strand, the reverse complement: BRIP1 is on the minus strand); the first of 3 consecutive T bases (chr17:61,683,320-61,683,322); deleting any one gives the same sequence. VCF-style (leftmost placement, unchanged base first): chr17-61683319-CT-C. GRCh37 (hg19) VCF-style: chr17-59760680-CT-C.
Other names: c.3726delA (NM_032043.2); short protein forms G1243fs.
Identifiers: ClinVar variation 3228135 (VCV003228135.1), dbSNP rs2544551643, ClinGen allele CA2825002548.

ClinVar aggregate classification (germline): Uncertain significance (1 of 4 stars; one submission).

Conditions:
Hereditary cancer-predisposing syndrome. Also called: Neoplastic Syndromes, Hereditary; Tumor predisposition; Hereditary neoplastic syndrome; Hereditary Cancer Syndrome. Identifiers: Orphanet 140162, MedGen C0027672, MeSH D009386, MONDO:0015356.

Submission:

Ambry Genetics
Classification: Uncertain significance for Hereditary cancer-predisposing syndrome. Last evaluated: 2024-03-13. Review status: criteria provided, single submitter. Criteria: Ambry Variant Classification Scheme 2023. Collection method: clinical testing. Allele origin: germline.
Comment: The c.3726delA variant, located in coding exon 19 of the BRIP1 gene, results from a deletion of one nucleotide at nucleotide position 3726, causing a translational frameshift with a predicted alternate stop codon (p.G1243Afs*11). This alteration occurs at the 3' terminus of theBRIP1 gene, is not expected to trigger nonsense-mediated mRNAdecay, and results in the elongation of the protein by three amino acids. This frameshift impacts the last sevenamino acids of the native protein. The exact functional effect of the altered amino acids is unknown. Based on the available evidence, the clinical significance of this alteration remains unclear.